The following is an entry in ClinVar:

NM_001128431.4(SLC39A14):c.244G>A (p.Val82Met)

Gene: SLC39A14 (solute carrier family 39 member 14; plus strand). Cytogenetic location: 8p21.3.
Variant type: single nucleotide variant.
Coding change: c.244G>A on transcript NM_001128431.4 (MANE Select); coding-DNA position 244, G replaced by A.
Protein change: p.Val82Met; replaces valine 82 with methionine.
Molecular consequence: missense variant.
Genome position (GRCh38, 1-based): chr8:22,404,954, G>A. VCF-style: chr8-22404954-G-A. GRCh37 (hg19) VCF-style: chr8-22262467-G-A.
Other names: c.244G>A, p.Val82Met (NM_001135153.3, NM_001135154.3, NM_001351655.2 and 3 more transcripts); c.274G>A, p.Val92Met (NM_001351657.2, NM_001351658.2, NM_001351659.2); short protein forms V82M, V92M.
Identifiers: ClinVar variation 1489254 (VCV001489254.3), dbSNP rs150377639, ClinGen allele CA4667245.
Genomic context (GRCh38, chr8:22,404,954, plus strand): 5'-CTGAAGGCCCTACTCAACCACCTGGATGTGGGAGTGGGCCGGGGTAATGTCACCCAGCAC[G>A]TGCAAGGACACAGGAACCTCTCCACGGTAAGGCTCCCCTGTGAGCCAGCAGCTCTGCTCA-3'
Protein context (NP_001121903.1, residues 72-92): GVGRGNVTQH[Val82Met]QGHRNLSTCF

ClinVar aggregate classification (germline): Uncertain significance (1 of 4 stars; one submission).

Allele frequency attached by ClinVar (database versions not stated): 1000 Genomes Project 30x 0.00016; 1000 Genomes Project 0.00020; ESP Exome Variant Server 0.00023.
gnomAD v4.1: 112 of 1,614,082 alleles (0.0069%); highest among the groups gnomAD compares: African/African-American, 0.1%; no homozygotes.

Submission:

Labcorp Genetics (formerly Invitae), Labcorp
Classification: Uncertain significance. Last evaluated: 2022-08-23. Review status: criteria provided, single submitter. Criteria: Invitae Variant Classification Sherloc (09022015). Collection method: clinical testing. Allele origin: germline.
Comment: This sequence change replaces valine, which is neutral and non-polar, with methionine, which is neutral and non-polar, at codon 82 of the SLC39A14 protein (p.Val82Met). This variant is present in population databases (rs150377639, gnomAD 0.1%). This variant has not been reported in the literature in individuals affected with SLC39A14-related conditions. ClinVar contains an entry for this variant (Variation ID: 1489254). Algorithms developed to predict the effect of missense changes on protein structure and function output the following: SIFT: "Tolerated"; PolyPhen-2: "Benign"; Align-GVGD: "Class C0". The methionine amino acid residue is found in multiple mammalian species, which suggests that this missense change does not adversely affect protein function. In summary, the available evidence is currently insufficient to determine the role of this variant in disease. Therefore, it has been classified as a Variant of Uncertain Significance.